The following is an entry in ClinVar:

NM_001372.4(DNAH9):c.5432G>A (p.Arg1811His)

Gene: DNAH9 (dynein axonemal heavy chain 9; plus strand). Cytogenetic location: 17p12.
Variant type: single nucleotide variant.
Coding change: c.5432G>A on transcript NM_001372.4 (MANE Select); coding-DNA position 5432, G replaced by A.
Protein change: p.Arg1811His; replaces arginine 1811 with histidine.
Molecular consequence: missense variant.
Genome position (GRCh38, 1-based): chr17:11,705,065, G>A. VCF-style: chr17-11705065-G-A. GRCh37 (hg19) VCF-style: chr17-11608382-G-A.
Other names: short protein forms R1811H.
Identifiers: ClinVar variation 3694653 (VCV003694653.4).
Genomic context (GRCh38, chr17:11,705,065, plus strand): 5'-CTCTACCACTCTCTCTTTAGGTAGACAATGCCCAGGCTTTCCTCTGGCTGTCTCAGCTGC[G>A]CCATCGTTGGGATGACGAGGTCAAACACTGCTTTGCCAACATCTGTGATGCCCAGTTTTT-3'
Protein context (NP_001363.2, residues 1801-1821): AQAFLWLSQL[Arg1811His]HRWDDEVKHC

ClinVar aggregate classification (germline): Conflicting classifications of pathogenicity. Review status: criteria provided, conflicting classifications (1 of 4 stars). 2 submissions from 2 submitters: Likely pathogenic (1); Uncertain significance (1). Last evaluated 2025-05-21.

gnomAD v4.1: 14 of 1,614,008 alleles (0.00087%); highest among the groups gnomAD compares: Admixed American, 0.005%; no homozygotes.

Submissions (2):

Dasa
Classification: Uncertain significance. Last evaluated: 2025-05-21. Review status: criteria provided, single submitter. Criteria: DASA Assertion Criteria. Collection method: clinical testing. Allele origin: germline.
Comment: NM_001372.4(DNAH9):c.5432G>A (p.Arg1811His) is a missense variant that results in the substitution of arginine with histidine. This variant is rare in population databases. Computational prediction algorithms are consistent with a deleterious effect. The currently available literature and clinical evidence are not sufficient to establish a definitive association between this variant and the reported condition. Therefore, this variant is classified as a variant of uncertain significance.

Labcorp Genetics (formerly Invitae), Labcorp
Classification: Likely pathogenic. Last evaluated: 2024-12-02. Review status: criteria provided, single submitter. Criteria: Invitae Variant Classification Sherloc (09022015). Collection method: clinical testing. Allele origin: germline.
Comment: This sequence change replaces arginine, which is basic and polar, with histidine, which is basic and polar, at codon 1811 of the DNAH9 protein (p.Arg1811His). This variant is present in population databases (rs772276258, gnomAD 0.004%). This missense change has been observed in individual(s) with clinical features of primary ciliary dyskinesia (internal data). Invitae Evidence Modeling of protein sequence and biophysical properties (such as structural, functional, and spatial information, amino acid conservation, physicochemical variation, residue mobility, and thermodynamic stability) indicates that this missense variant is expected to disrupt DNAH9 protein function with a positive predictive value of 80%. In summary, the currently available evidence indicates that the variant is pathogenic, but additional data are needed to prove that conclusively. Therefore, this variant has been classified as Likely Pathogenic.